The following is an entry in ClinVar:

NM_144573.4(NEXN):c.508C>T (p.Leu170Phe)

Gene: NEXN (nexilin F-actin binding protein; plus strand). Cytogenetic location: 1p31.1.
Variant type: single nucleotide variant.
Coding change: c.508C>T on transcript NM_144573.4 (MANE Select); coding-DNA position 508, C replaced by T.
Protein change: p.Leu170Phe; replaces leucine 170 with phenylalanine.
Molecular consequence: missense variant.
Genome position (GRCh38, 1-based): chr1:77,926,432, C>T. VCF-style: chr1-77926432-C-T. GRCh37 (hg19) VCF-style: chr1-78392117-C-T.
Other names: c.316C>T, p.Leu106Phe (NM_001172309.2); short protein forms L106F, L170F.
Identifiers: ClinVar variation 4537879 (VCV004537879.1).

ClinVar aggregate classification (germline): Uncertain significance (1 of 4 stars; one submission).

Submission:

GeneDx
Classification: Uncertain significance. Last evaluated: 2025-06-13. Review status: criteria provided, single submitter. Criteria: GeneDx Variant Classification Process June 2021. Collection method: clinical testing. Allele origin: germline. Affected: yes.
Comment: Not observed at significant frequency in large population cohorts (gnomAD); In silico analysis supports that this missense variant does not alter protein structure/function; Has not been previously published as pathogenic or benign to our knowledge